The following is an entry in ClinVar:

ClinVar aggregate classification (germline): Uncertain significance (1 of 4 stars; one submission).

Conditions:
Aortic aneurysm, familial thoracic 7 (AAT7). Also called: AORTIC DISSECTION, FAMILIAL, WITH OR WITHOUT AORTIC ANEURYSM. Identifiers: MedGen C3151077, MONDO:0013418, OMIM 613780.

Allele frequency attached by ClinVar (database versions not stated): TOPMed 0.00001.

Submission:

Labcorp Genetics (formerly Invitae), Labcorp
Classification: Uncertain significance for Aortic aneurysm, familial thoracic 7. Last evaluated: 2023-12-19. Review status: criteria provided, single submitter. Criteria: Invitae Variant Classification Sherloc (09022015). Collection method: clinical testing. Allele origin: germline.
Comment: This sequence change replaces glycine, which is neutral and non-polar, with arginine, which is basic and polar, at codon 857 of the MYLK protein (p.Gly857Arg). This variant is not present in population databases (gnomAD no frequency). This variant has not been reported in the literature in individuals affected with MYLK-related conditions. Advanced modeling of protein sequence and biophysical properties (such as structural, functional, and spatial information, amino acid conservation, physicochemical variation, residue mobility, and thermodynamic stability) performed at Invitae indicates that this missense variant is not expected to disrupt MYLK protein function with a negative predictive value of 80%. In summary, the available evidence is currently insufficient to determine the role of this variant in disease. Therefore, it has been classified as a Variant of Uncertain Significance.

NM_053025.4(MYLK):c.2569G>C (p.Gly857Arg)

Gene: MYLK (myosin light chain kinase; minus strand). Cytogenetic location: 3q21.1.
Variant type: single nucleotide variant.
Coding change: c.2569G>C on transcript NM_053025.4 (MANE Select); coding-DNA position 2569, G replaced by C.
Protein change: p.Gly857Arg; replaces glycine 857 with arginine.
Molecular consequence: missense variant.
Genome position (GRCh38, 1-based): chr3:123,700,899, C>G on the plus strand (G>C on the coding strand, the complement: MYLK is on the minus strand). VCF-style: chr3-123700899-C-G. GRCh37 (hg19) VCF-style: chr3-123419746-C-G.
Other names: c.2041G>C, p.Gly681Arg (NM_001321309.2); c.2362G>C, p.Gly788Arg (NM_053026.4, NM_053028.4); c.2569G>C, p.Gly857Arg (NM_053027.4); short protein forms G681R, G788R, G857R.
Identifiers: ClinVar variation 2798003 (VCV002798003.3), dbSNP rs752128030, ClinGen allele CA354232211.